The following is an entry in ClinVar:

NM_001197104.2(KMT2A):c.728_729del (p.Glu243fs)

Gene: KMT2A (lysine methyltransferase 2A; plus strand). Cytogenetic location: 11q23.3.
Variant type: Microsatellite.
Coding change: c.728_729del on transcript NM_001197104.2 (MANE Select); coding-DNA positions 728 to 729, 2 bases deleted (AG; older notation c.728_729delAG).
Protein change: p.Glu243fs; shifts the reading frame from glutamic acid 243.
Molecular consequence: frameshift variant.
Genome position (GRCh38, 1-based): chr11:118,471,887-118,471,888, AG deleted; deleting any 2 consecutive bases within chr11:118,471,885-118,471,888 gives the same sequence; the c. name uses the placement nearest the transcript's 3' end. VCF-style (leftmost placement, unchanged base first): chr11-118471884-CAG-C. GRCh37 (hg19) VCF-style: chr11-118342599-CAG-C.
Other names: c.827_828del, p.Glu276fs (NM_001412597.1); c.728_729del, p.Glu243fs (NM_005933.4); short protein forms E276fs, E243fs.
Identifiers: ClinVar variation 2840529 (VCV002840529.3), dbSNP rs2496792628, ClinGen allele CA2739271697.

ClinVar aggregate classification (germline): Pathogenic (1 of 4 stars; one submission).

Submission:

Labcorp Genetics (formerly Invitae), Labcorp
Classification: Pathogenic. Last evaluated: 2023-02-24. Review status: criteria provided, single submitter. Criteria: Invitae Variant Classification Sherloc (09022015). Collection method: clinical testing. Allele origin: germline.
Comment: This variant is not present in population databases (gnomAD no frequency). For these reasons, this variant has been classified as Pathogenic. This variant has not been reported in the literature in individuals affected with KMT2A-related conditions. This sequence change creates a premature translational stop signal (p.Glu243Valfs*9) in the KMT2A gene. It is expected to result in an absent or disrupted protein product. Loss-of-function variants in KMT2A are known to be pathogenic (PMID: 22795537, 25574841, 25810209, 28120103, 29574747, 31157197, 31337854).

Literature cited by the submitters: PubMed 22795537; PubMed 25574841; PubMed 25810209; PubMed 28120103; PubMed 29574747; PubMed 31157197; PubMed 31337854.